The following is an entry in ClinVar:

NM_018451.5(CPAP):c.2693-4A>T

Gene: CPAP (centrosome assembly and centriole elongation protein; minus strand). Cytogenetic location: 13q12.13.
Variant type: single nucleotide variant.
Coding change: c.2693-4A>T on transcript NM_018451.5 (MANE Select); 4 bases into the intron before coding-DNA position 2693, A replaced by T.
Molecular consequence: intron variant.
Genome position (GRCh38, 1-based): chr13:24,904,062, T>A on the plus strand (A>T on the coding strand, the complement: CPAP is on the minus strand). VCF-style: chr13-24904062-T-A. GRCh37 (hg19) VCF-style: chr13-25478200-T-A.
Other names: c.2693-4A>T (NM_018451.4, NM_018451.3).
Identifiers: ClinVar variation 2179399 (VCV002179399.7), dbSNP rs773911785, ClinGen allele CA6919534.

ClinVar aggregate classification (germline): Conflicting classifications of pathogenicity. Review status: criteria provided, conflicting classifications (1 of 4 stars). 3 submissions from 3 submitters: Uncertain significance (1); Likely benign (1). 1 of the submissions does not count toward it. Last evaluated 2023-08-25.

Conditions:
Inborn genetic diseases. Identifiers: MedGen C0950123, MeSH D030342.
CENPJ-related disorder. Also called: CENPJ-related disorders; CENPJ-related condition.

Allele frequency attached by ClinVar (database versions not stated): TOPMed 0.00002; ExAC 0.00001.
gnomAD v4.1: 43 of 1,613,714 alleles (0.0027%); highest among the groups gnomAD compares: Admixed American, 0.0067%; no homozygotes.

Submissions (3):

Labcorp Genetics (formerly Invitae), Labcorp
Classification: Likely benign. Last evaluated: 2023-08-25. Review status: criteria provided, single submitter. Criteria: Invitae Variant Classification Sherloc (09022015). Collection method: clinical testing. Allele origin: germline.

Ambry Genetics
Classification: Uncertain significance for Inborn genetic diseases. Last evaluated: 2021-10-02. Review status: criteria provided, single submitter. Criteria: Ambry Variant Classification Scheme 2023. Collection method: clinical testing. Allele origin: germline.
Comment: The c.2693-4A>T intronic alteration consists of an A to T substitution 4 nucleotides before exon 8 (coding exon 7) of the CENPJ gene. Based on insufficient or conflicting evidence, the clinical significance of this alteration remains unclear.

PreventionGenetics, part of Exact Sciences
Classification: Likely benign for CENPJ-related condition. Last evaluated: 2019-02-28. Review status: no assertion criteria provided. Collection method: clinical testing. Allele origin: germline. Not counted in ClinVar's aggregate classification.
Comment: This variant is classified as likely benign based on ACMG/AMP sequence variant interpretation guidelines (Richards et al. 2015 PMID: 25741868, with internal and published modifications).